The following is an entry in ClinVar:

ClinVar aggregate classification (germline): Uncertain significance (1 of 4 stars; one submission).

Conditions:
USH2A-related disorder. Also called: USH2A-related disorders; USH2A-related condition. Identifiers: MedGen CN239332.

gnomAD v4.1: 1 of 1,613,944 alleles (0.000062%); highest among the groups gnomAD compares: South Asian, 0.0011%; no homozygotes.

Submission:

Myriad Genetics, Inc.
Classification: Uncertain significance for USH2A-related disorder. Last evaluated: 2026-04-30. Review status: criteria provided, single submitter. Criteria: Myriad Autosomal Dominant, Autosomal Recessive and X-Linked Classification Criteria (2023). Collection method: clinical testing. Allele origin: unknown.
Comment: NM_206933.2(USH2A):c.12103C>T(P4035S) is a missense variant classified as a variant of uncertain significance in the context of USH2A-related disorders. P4035S has been observed in a case with relevant disease (PMID: 32675063). Relevant functional assessments of this variant are not available in the literature. P4035S has not been observed in referenced population frequency databases. In summary, there is insufficient evidence to classify NM_206933.2(USH2A):c.12103C>T(P4035S) as pathogenic or benign. Please note: this variant was assessed in the context of healthy population screening.

Literature cited by the submitters: PubMed 32675063.

NM_206933.4(USH2A):c.12103C>T (p.Pro4035Ser)

Gene: USH2A (usherin; minus strand). Cytogenetic location: 1q41.
Variant type: single nucleotide variant.
Coding change: c.12103C>T on transcript NM_206933.4 (MANE Select); coding-DNA position 12103, C replaced by T.
Protein change: p.Pro4035Ser; replaces proline 4035 with serine.
Molecular consequence: missense variant.
Genome position (GRCh38, 1-based): chr1:215,680,340, G>A on the plus strand (C>T on the coding strand, the complement: USH2A is on the minus strand). VCF-style: chr1-215680340-G-A. GRCh37 (hg19) VCF-style: chr1-215853682-G-A.
Other names: short protein forms P4035S.
Identifiers: ClinVar variation 5003831 (VCV005003831.1).